The following is an entry in ClinVar:

ClinVar aggregate classification (germline): Likely pathogenic (1 of 4 stars; one submission).

Conditions:
Intellectual developmental disorder, autosomal dominant 48. Also called: MENTAL RETARDATION, AUTOSOMAL DOMINANT 48; Intellectual disability, autosomal dominant 48. Identifiers: Orphanet 500159, MedGen C4540321, MONDO:0030913, OMIM 617751.

Submission:

Laboratorio de Genetica e Diagnostico Molecular, Hospital Israelita Albert Einstein
Classification: Likely pathogenic for Intellectual developmental disorder, autosomal dominant 48. Last evaluated: 2022-12-09. Review status: criteria provided, single submitter. Criteria: ACMG Guidelines, 2015. Collection method: clinical testing. Allele origin: germline. Affected: yes. Observed: 1 variant allele.
Comment: ACMG classification criteria: PM2 moderated, PM5 moderated, PP2 supporting, PP3 supporting

NM_006908.5(RAC1):c.190T>C (p.Tyr64His)

Gene: RAC1 (Rac family small GTPase 1; plus strand). Cytogenetic location: 7p22.1.
Variant type: single nucleotide variant.
Coding change: c.190T>C on transcript NM_006908.5 (MANE Select); coding-DNA position 190, T replaced by C.
Protein change: p.Tyr64His; replaces tyrosine 64 with histidine.
Molecular consequence: missense variant.
Genome position (GRCh38, 1-based): chr7:6,392,006, T>C. VCF-style: chr7-6392006-T-C. GRCh37 (hg19) VCF-style: chr7-6431637-T-C.
Other names: c.190T>C, p.Tyr64His (NM_018890.4); short protein forms Y64H.
Identifiers: ClinVar variation 2431922 (VCV002431922.1), dbSNP rs1554263626, ClinGen allele CA366761301.